The following is an entry in ClinVar:

NM_006269.2(RP1):c.4813A>G (p.Lys1605Glu)

Gene: RP1 (RP1 axonemal microtubule associated; plus strand). Cytogenetic location: 8q12.1.
Variant type: single nucleotide variant.
Coding change: c.4813A>G on transcript NM_006269.2 (MANE Select); coding-DNA position 4813, A replaced by G.
Protein change: p.Lys1605Glu; replaces lysine 1605 with glutamic acid.
Molecular consequence: missense variant. On other transcripts: intron variant (1).
Genome position (GRCh38, 1-based): chr8:54,628,695, A>G. VCF-style: chr8-54628695-A-G. GRCh37 (hg19) VCF-style: chr8-55541255-A-G.
Other names: c.787+6407A>G (NM_001375654.1); short protein forms K1605E.
Identifiers: ClinVar variation 1924789 (VCV001924789.5), dbSNP rs375635147, ClinGen allele CA4751951.

ClinVar aggregate classification (germline): Uncertain significance (1 of 4 stars; one submission).

Allele frequency attached by ClinVar (database versions not stated): gnomAD exomes below 0.00001; ExAC 0.00001; gnomAD 0.00002; TOPMed 0.00002; ESP Exome Variant Server 0.00008.
gnomAD v4.1: 6 of 1,613,976 alleles (0.00037%); highest among the groups gnomAD compares: African/African-American, 0.0067%; no homozygotes.

Submission:

Labcorp Genetics (formerly Invitae), Labcorp
Classification: Uncertain significance. Last evaluated: 2022-08-21. Review status: criteria provided, single submitter. Criteria: Invitae Variant Classification Sherloc (09022015). Collection method: clinical testing. Allele origin: germline.
Comment: This sequence change replaces lysine, which is basic and polar, with glutamic acid, which is acidic and polar, at codon 1605 of the RP1 protein (p.Lys1605Glu). This variant is present in population databases (rs375635147, gnomAD 0.007%). This variant has not been reported in the literature in individuals affected with RP1-related conditions. Algorithms developed to predict the effect of missense changes on protein structure and function are either unavailable or do not agree on the potential impact of this missense change (SIFT: "Deleterious"; PolyPhen-2: "Benign"; Align-GVGD: "Class C0"). In summary, the available evidence is currently insufficient to determine the role of this variant in disease. Therefore, it has been classified as a Variant of Uncertain Significance.